The following is an entry in ClinVar:

ClinVar aggregate classification (germline): Uncertain significance (1 of 4 stars; one submission).

Allele frequency attached by ClinVar (database versions not stated): TOPMed 0.00001; gnomAD exomes 0.00002; ExAC 0.00003.
gnomAD v4.1: 28 of 1,563,840 alleles (0.0018%); highest among the groups gnomAD compares: South Asian, 0.0047%; no homozygotes.

Submission:

Labcorp Genetics (formerly Invitae), Labcorp
Classification: Uncertain significance. Last evaluated: 2026-01-13. Review status: criteria provided, single submitter. Criteria: Invitae Variant Classification Sherloc (09022015). Collection method: clinical testing. Allele origin: germline.
Comment: This sequence change replaces arginine, which is basic and polar, with histidine, which is basic and polar, at codon 2055 of the CACNA1B protein (p.Arg2055His). The frequency data for this variant in the population databases is considered unreliable, as metrics indicate poor data quality at this position in the gnomAD database. This variant has not been reported in the literature in individuals affected with CACNA1B-related conditions. ClinVar contains an entry for this variant (Variation ID: 2181728). An algorithm developed to predict the effect of missense changes on protein structure and function (PolyPhen-2) suggests that this variant is likely to be disruptive. In summary, the available evidence is currently insufficient to determine the role of this variant in disease. Therefore, it has been classified as a Variant of Uncertain Significance.

NM_000718.4(CACNA1B):c.6164G>A (p.Arg2055His)

Gene: CACNA1B (calcium voltage-gated channel subunit alpha1 B; plus strand). Cytogenetic location: 9q34.3.
Variant type: single nucleotide variant.
Coding change: c.6164G>A on transcript NM_000718.4 (MANE Select); coding-DNA position 6164, G replaced by A.
Protein change: p.Arg2055His; replaces arginine 2055 with histidine.
Molecular consequence: missense variant.
Genome position (GRCh38, 1-based): chr9:138,120,298, G>A. VCF-style: chr9-138120298-G-A. GRCh37 (hg19) VCF-style: chr9-141014750-G-A.
Other names: c.6164G>A, p.Arg2055His (NM_001243812.2); short protein forms R2055H.
Identifiers: ClinVar variation 2181728 (VCV002181728.4), dbSNP rs369758510, ClinGen allele CA5377632.